The following is an entry in ClinVar:

ClinVar aggregate classification (germline): Likely benign (1 of 4 stars; one submission).

Conditions:
Familial adenomatous polyposis 1 (FAP1). Also called: POLYPOSIS, ADENOMATOUS INTESTINAL; FAMILIAL ADENOMATOUS POLYPOSIS 1, ATTENUATED. Identifiers: MedGen C2713442, MONDO:0021056, OMIM 175100. Disease mechanism: loss of function.

Submission:

Myriad Genetics, Inc.
Classification: Likely benign for Familial adenomatous polyposis 1. Last evaluated: 2024-02-23. Review status: criteria provided, single submitter. Criteria: Myriad Autosomal Dominant, Autosomal Recessive and X-Linked Classification Criteria (2023). Collection method: clinical testing. Allele origin: unknown.
Comment: This variant is considered likely benign. This variant is intronic and is not expected to impact mRNA splicing.

NM_000038.6(APC):c.423-6A>T

Gene: APC (APC regulator of Wnt signaling pathway; plus strand). Cytogenetic location: 5q22.2.
Variant type: single nucleotide variant.
Coding change: c.423-6A>T on transcript NM_000038.6 (MANE Select); 6 bases into the intron before coding-DNA position 423, A replaced by T.
Molecular consequence: intron variant.
Genome position (GRCh38, 1-based): chr5:112,775,623, A>T. VCF-style: chr5-112775623-A-T. GRCh37 (hg19) VCF-style: chr5-112111320-A-T.
Other names: c.-613-6A>T (NM_001407470.1, NM_001407472.1, NM_001354906.2 and 1 more transcripts); c.423-6A>T (NM_001407447.1, NM_001354895.2, NM_001407456.1 and 16 more transcripts); c.453-6A>T (NM_001407446.1, NM_001354897.2, NM_001354902.2 and 1 more transcripts); c.246-6A>T (NM_001407453.1, NM_001354900.2, NM_001354901.2 and 1 more transcripts); c.348-6A>T (NM_001407451.1, NM_001354898.2, NM_001354904.2).
Identifiers: ClinVar variation 3148290 (VCV003148290.1), dbSNP rs2149614228, ClinGen allele CA2709983724.